The following is an entry in ClinVar:

ClinVar aggregate classification (germline): Uncertain significance (1 of 4 stars; one submission).

Conditions:
Noonan syndrome 9 (NS9). Identifiers: Orphanet 648, MedGen C4225282, MONDO:0014691, OMIM 616559.

gnomAD v4.1: 1 of 1,586,508 alleles (0.000063%); highest among the groups gnomAD compares: Non-Finnish European, 0.000086%; no homozygotes.

Submission:

Labcorp Genetics (formerly Invitae), Labcorp
Classification: Uncertain significance for Noonan syndrome 9. Last evaluated: 2024-09-05. Review status: criteria provided, single submitter. Criteria: Invitae Variant Classification Sherloc (09022015). Collection method: clinical testing. Allele origin: germline.
Comment: This sequence change replaces leucine, which is neutral and non-polar, with phenylalanine, which is neutral and non-polar, at codon 172 of the SOS2 protein (p.Leu172Phe). This variant is not present in population databases (gnomAD no frequency). This variant has not been reported in the literature in individuals affected with SOS2-related conditions. ClinVar contains an entry for this variant (Variation ID: 948325). Invitae Evidence Modeling of protein sequence and biophysical properties (such as structural, functional, and spatial information, amino acid conservation, physicochemical variation, residue mobility, and thermodynamic stability) indicates that this missense variant is expected to disrupt SOS2 protein function with a positive predictive value of 95%. In summary, the available evidence is currently insufficient to determine the role of this variant in disease. Therefore, it has been classified as a Variant of Uncertain Significance.

NM_006939.4(SOS2):c.516G>C (p.Leu172Phe)

Gene: SOS2 (SOS Ras/Rho guanine nucleotide exchange factor 2; minus strand). Cytogenetic location: 14q21.3.
Variant type: single nucleotide variant.
Coding change: c.516G>C on transcript NM_006939.4 (MANE Select); coding-DNA position 516, G replaced by C.
Protein change: p.Leu172Phe; replaces leucine 172 with phenylalanine.
Molecular consequence: missense variant.
Genome position (GRCh38, 1-based): chr14:50,188,695, C>G on the plus strand (G>C on the coding strand, the complement: SOS2 is on the minus strand). VCF-style: chr14-50188695-C-G. GRCh37 (hg19) VCF-style: chr14-50655413-C-G.
Other names: short protein forms L172F.
Identifiers: ClinVar variation 948325 (VCV000948325.9), dbSNP rs561507728, ClinGen allele CA389648368.